The following is an entry in ClinVar:

NM_144997.7(FLCN):c.1012T>A (p.Trp338Arg)

Gene: FLCN (folliculin; minus strand). Cytogenetic location: 17p11.2.
Variant type: single nucleotide variant.
Coding change: c.1012T>A on transcript NM_144997.7 (MANE Select); coding-DNA position 1012, T replaced by A.
Protein change: p.Trp338Arg; replaces tryptophan 338 with arginine.
Molecular consequence: missense variant.
Genome position (GRCh38, 1-based): chr17:17,219,069, A>T on the plus strand (T>A on the coding strand, the complement: FLCN is on the minus strand). VCF-style: chr17-17219069-A-T. GRCh37 (hg19) VCF-style: chr17-17122383-A-T.
Other names: c.1066T>A, p.Trp356Arg (NM_001353229.2); c.1012T>A, p.Trp338Arg (NM_001353230.2, NM_001353231.2); short protein forms W356R, W338R.
Identifiers: ClinVar variation 1734782 (VCV001734782.2), dbSNP rs2144894501, ClinGen allele CA398532771.

ClinVar aggregate classification (germline): Uncertain significance (1 of 4 stars; one submission).

Conditions:
Hereditary cancer-predisposing syndrome. Also called: Neoplastic Syndromes, Hereditary; Tumor predisposition; Hereditary Cancer Syndrome; Hereditary neoplastic syndrome. Identifiers: Orphanet 140162, MedGen C0027672, MeSH D009386, MONDO:0015356.

Submission:

Ambry Genetics
Classification: Uncertain significance for Hereditary cancer-predisposing syndrome. Last evaluated: 2022-01-11. Review status: criteria provided, single submitter. Criteria: Ambry Variant Classification Scheme 2023. Collection method: clinical testing. Allele origin: germline.
Comment: The p.W338R variant (also known as c.1012T>A), located in coding exon 6 of the FLCN gene, results from a T to A substitution at nucleotide position 1012. The tryptophan at codon 338 is replaced by arginine, an amino acid with dissimilar properties. This amino acid position is conserved. In addition, this alteration is predicted to be deleterious by in silico analysis. Since supporting evidence is limited at this time, the clinical significance of this alteration remains unclear.